The following is an entry in ClinVar:

NM_001903.5(CTNNA1):c.431T>C (p.Met144Thr)

Gene: CTNNA1 (catenin alpha 1; plus strand). Cytogenetic location: 5q31.2.
Variant type: single nucleotide variant.
Coding change: c.431T>C on transcript NM_001903.5 (MANE Select); coding-DNA position 431, T replaced by C.
Protein change: p.Met144Thr; replaces methionine 144 with threonine.
Molecular consequence: missense variant.
Genome position (GRCh38, 1-based): chr5:138,810,167, T>C. VCF-style: chr5-138810167-T-C. GRCh37 (hg19) VCF-style: chr5-138145856-T-C.
Other names: c.431T>C (NM_001903.2); c.431T>C, p.Met144Thr (NM_001290307.3, NM_001323982.2, NM_001323983.1 and 3 more transcripts); c.122T>C, p.Met41Thr (NM_001290309.3); c.62T>C, p.Met21Thr (NM_001290310.3); short protein forms M21T, M41T, M144T.
Identifiers: ClinVar variation 1035379 (VCV001035379.11), dbSNP rs1290591351, ClinGen allele CA361123474.

ClinVar aggregate classification (germline): Uncertain significance. Review status: criteria provided, multiple submitters, no conflicts (2 of 4 stars). 2 submissions from 2 submitters: Uncertain significance (2). Last evaluated 2023-08-30.

Conditions:
Hereditary cancer-predisposing syndrome. Also called: Hereditary neoplastic syndrome; Neoplastic Syndromes, Hereditary; Tumor predisposition; Hereditary Cancer Syndrome. Identifiers: Orphanet 140162, MedGen C0027672, MeSH D009386, MONDO:0015356.

Allele frequency attached by ClinVar (database versions not stated): gnomAD exomes below 0.00001.

Submissions (2):

Ambry Genetics
Classification: Uncertain significance for Hereditary cancer-predisposing syndrome. Last evaluated: 2023-08-30. Review status: criteria provided, single submitter. Criteria: Ambry Variant Classification Scheme 2023. Collection method: clinical testing. Allele origin: germline.
Comment: The p.M144T variant (also known as c.431T>C), located in coding exon 3 of the CTNNA1 gene, results from a T to C substitution at nucleotide position 431. The methionine at codon 144 is replaced by threonine, an amino acid with similar properties. This amino acid position is conserved. In addition, this alteration is predicted to be deleterious by in silico analysis. Since supporting evidence is limited at this time, the clinical significance of this alteration remains unclear.

Labcorp Genetics (formerly Invitae), Labcorp
Classification: Uncertain significance. Last evaluated: 2022-12-24. Review status: criteria provided, single submitter. Criteria: Invitae Variant Classification Sherloc (09022015). Collection method: clinical testing. Allele origin: germline.
Comment: In summary, the available evidence is currently insufficient to determine the role of this variant in disease. Therefore, it has been classified as a Variant of Uncertain Significance. Advanced modeling of protein sequence and biophysical properties (such as structural, functional, and spatial information, amino acid conservation, physicochemical variation, residue mobility, and thermodynamic stability) performed at Invitae indicates that this missense variant is not expected to disrupt CTNNA1 protein function. ClinVar contains an entry for this variant (Variation ID: 1035379). This variant has not been reported in the literature in individuals affected with CTNNA1-related conditions. This variant is not present in population databases (gnomAD no frequency). This sequence change replaces methionine, which is neutral and non-polar, with threonine, which is neutral and polar, at codon 144 of the CTNNA1 protein (p.Met144Thr).